The following is an entry in ClinVar:

NM_003597.5(KLF11):c.33C>T (p.Asp11=)

Gene: KLF11 (KLF transcription factor 11; plus strand). Cytogenetic location: 2p25.1.
Variant type: single nucleotide variant.
Coding change: c.33C>T on transcript NM_003597.5 (MANE Select); coding-DNA position 33, C replaced by T.
Protein change: p.Asp11=; no amino-acid change (aspartic acid 11 retained).
Molecular consequence: synonymous variant.
Genome position (GRCh38, 1-based): chr2:10,043,749, C>T. VCF-style: chr2-10043749-C-T. GRCh37 (hg19) VCF-style: chr2-10183876-C-T.
Identifiers: ClinVar variation 1336340 (VCV001336340.34), dbSNP rs769096990, ClinGen allele CA1525359.

ClinVar aggregate classification (germline): Likely benign. Review status: criteria provided, multiple submitters, no conflicts (2 of 4 stars). 5 submissions from 5 submitters: Likely benign (5). Last evaluated 2025-10-02.

Allele frequency attached by ClinVar (database versions not stated): gnomAD exomes 0.00008; ExAC 0.00009; 1000 Genomes Project 30x 0.00031; TOPMed 0.00051; gnomAD 0.00062 and 0.00069.
gnomAD v4.1: 193 of 1,380,666 alleles (0.014%); highest among the groups gnomAD compares: African/African-American, 0.2%; 2 homozygotes.

Submissions (5):

Labcorp Genetics (formerly Invitae), Labcorp
Classification: Likely benign. Last evaluated: 2025-10-02. Review status: criteria provided, single submitter. Criteria: Invitae Variant Classification Sherloc (09022015). Collection method: clinical testing. Allele origin: germline.

Blueprint Genetics
Classification: Likely benign. Last evaluated: 2024-11-25. Review status: criteria provided, single submitter. Criteria: ACMG Guidelines, 2015. Collection method: clinical testing. Allele origin: germline.

CeGaT Center for Human Genetics Tuebingen
Classification: Likely benign. Last evaluated: 2022-09-01. Review status: criteria provided, single submitter. Criteria: CeGaT Center For Human Genetics Tuebingen Variant Classification Criteria Version 2. Collection method: clinical testing. Allele origin: germline. Affected: yes. Observed: 1 variant allele.
Comment: KLF11: BP4, BP7

Genetic Services Laboratory, University of Chicago
Classification: Likely benign. Last evaluated: 2021-04-23. Review status: criteria provided, single submitter. Criteria: ACMG Guidelines, 2015. Collection method: clinical testing. Allele origin: germline. Affected: no.

Breakthrough Genomics
Classification: Likely benign. Review status: criteria provided, single submitter. Criteria: ACMG Guidelines, 2015. Collection method: not provided. Allele origin: germline. Inheritance: Unknown mechanism. Affected: yes.